The following is an entry in ClinVar:

NM_001130144.3(LTBP3):c.1720+1dup

Gene: LTBP3 (latent transforming growth factor beta binding protein 3; minus strand). Cytogenetic location: 11q13.1.
Variant type: Duplication.
Coding change: c.1720+1dup on transcript NM_001130144.3 (MANE Select); the canonical splice donor site of the intron after coding-DNA position 1720, one base duplicated (G; older notation c.1720+1dupG).
Molecular consequence: splice donor variant.
Genome position (GRCh38, 1-based): chr11:65,551,125, C duplicated on the plus strand (G on the coding strand, the reverse complement: LTBP3 is on the minus strand); the first of 2 consecutive C bases (chr11:65,551,125-65,551,126); duplicating either gives the same sequence. VCF-style (leftmost placement, unchanged base first): chr11-65551124-A-AC. GRCh37 (hg19) VCF-style: chr11-65318595-A-AC.
Other names: c.1369+1dup (NM_001164266.1); c.1720+1dup (NM_021070.4).
Identifiers: ClinVar variation 1938182 (VCV001938182.5), dbSNP rs2496165017, ClinGen allele CA2580084485.

ClinVar aggregate classification (germline): Likely pathogenic (1 of 4 stars; one submission).

Conditions:
Brachyolmia-amelogenesis imperfecta syndrome. Also called: PLATYSPONDYLY WITH AMELOGENESIS IMPERFECTA; Tooth agenesis, selective, 6; Dental anomalies and short stature. Identifiers: Orphanet 2899, MedGen C1832594, MONDO:0011018, OMIM 601216. Disease mechanism: loss of function.

Submission:

Labcorp Genetics (formerly Invitae), Labcorp
Classification: Likely pathogenic for Brachyolmia-amelogenesis imperfecta syndrome. Last evaluated: 2022-07-28. Review status: criteria provided, single submitter. Criteria: Invitae Variant Classification Sherloc (09022015). Collection method: clinical testing. Allele origin: germline.
Comment: This sequence change affects a splice site in intron 11 of the LTBP3 gene. It is expected to disrupt RNA splicing. Variants that disrupt the donor or acceptor splice site typically lead to a loss of protein function (PMID: 16199547), and loss-of-function variants in LTBP3 are known to be pathogenic (PMID: 11790802, 19344874, 25669657). In summary, the currently available evidence indicates that the variant is pathogenic, but additional data are needed to prove that conclusively. Therefore, this variant has been classified as Likely Pathogenic. Algorithms developed to predict the effect of sequence changes on RNA splicing suggest that this variant may disrupt the consensus splice site. This variant has not been reported in the literature in individuals affected with LTBP3-related conditions. This variant is not present in population databases (gnomAD no frequency).

Literature cited by the submitters: PubMed 16199547; PubMed 11790802; PubMed 19344874; PubMed 25669657.